The following is an entry in ClinVar:

NM_000135.4(FANCA):c.1058C>T (p.Pro353Leu)

Gene: FANCA (FA complementation group A; minus strand). Cytogenetic location: 16q24.3.
Variant type: single nucleotide variant.
Coding change: c.1058C>T on transcript NM_000135.4 (MANE Select); coding-DNA position 1058, C replaced by T.
Protein change: p.Pro353Leu; replaces proline 353 with leucine.
Molecular consequence: missense variant.
Genome position (GRCh38, 1-based): chr16:89,792,496, G>A on the plus strand (C>T on the coding strand, the complement: FANCA is on the minus strand). VCF-style: chr16-89792496-G-A. GRCh37 (hg19) VCF-style: chr16-89858904-G-A.
Other names: c.1058C>T, p.Pro353Leu (NM_001286167.3); short protein forms P353L.
Identifiers: ClinVar variation 3581555 (VCV003581555.2).

ClinVar aggregate classification (germline): Uncertain significance. Review status: criteria provided, multiple submitters, no conflicts (2 of 4 stars). 2 submissions from 2 submitters: Uncertain significance (2). Last evaluated 2025-06-12.

Conditions:
Inborn genetic diseases. Identifiers: MedGen C0950123, MeSH D030342.
Fanconi anemia complementation group A (FANCA). Also called: FANCA-Related Fanconi Anemia; Fanconi anemia, group A. Identifiers: Orphanet 84, MedGen C3469521, MONDO:0009215, OMIM 227650.

Submissions (2):

Ambry Genetics
Classification: Uncertain significance for Inborn genetic diseases. Last evaluated: 2025-06-12. Review status: criteria provided, single submitter. Criteria: Ambry Variant Classification Scheme 2023. Collection method: clinical testing. Allele origin: germline.
Comment: The p.P353L variant (also known as c.1058C>T), located in coding exon 12 of the FANCA gene, results from a C to T substitution at nucleotide position 1058. The proline at codon 353 is replaced by leucine, an amino acid with similar properties. This amino acid position is conserved. In addition, this alteration is predicted to be tolerated by in silico analysis. Based on the available evidence, the clinical significance of this variant remains unclear.

Fulgent Genetics
Classification: Uncertain significance for Fanconi anemia complementation group A. Last evaluated: 2024-03-27. Review status: criteria provided, single submitter. Criteria: ACMG Guidelines, 2015. Collection method: clinical testing. Allele origin: germline.